The following is an entry in ClinVar:

NM_001080442.3(SLC38A8):c.510C>A (p.Ile170=)

Gene: SLC38A8 (solute carrier family 38 member 8; minus strand). Cytogenetic location: 16q23.3.
Variant type: single nucleotide variant.
Coding change: c.510C>A on transcript NM_001080442.3 (MANE Select); coding-DNA position 510, C replaced by A.
Protein change: p.Ile170=; no amino-acid change (isoleucine 170 retained).
Molecular consequence: synonymous variant.
Genome position (GRCh38, 1-based): chr16:84,033,348, G>T on the plus strand (C>A on the coding strand, the complement: SLC38A8 is on the minus strand). VCF-style: chr16-84033348-G-T. GRCh37 (hg19) VCF-style: chr16-84066953-G-T.
Identifiers: ClinVar variation 713605 (VCV000713605.12), dbSNP rs142587413, ClinGen allele CA8200253.

ClinVar aggregate classification (germline): Benign. Review status: criteria provided, multiple submitters, no conflicts (2 of 4 stars). 3 submissions from 3 submitters: Benign (3). Last evaluated 2026-01-22.

Conditions:
SLC38A8-related disorder. Also called: SLC38A8-related condition.

Allele frequency attached by ClinVar (database versions not stated): ESP Exome Variant Server 0.00462; TOPMed 0.00471; gnomAD 0.00495; 1000 Genomes Project 0.00559; 1000 Genomes Project 30x 0.00578.
gnomAD v4.1: 1,456 of 1,614,044 alleles (0.09%); highest among the groups gnomAD compares: African/African-American, 1.5%; 9 homozygotes.

Submissions (3):

Labcorp Genetics (formerly Invitae), Labcorp
Classification: Benign. Last evaluated: 2026-01-22. Review status: criteria provided, single submitter. Criteria: Invitae Variant Classification Sherloc (09022015). Collection method: clinical testing. Allele origin: germline.

PreventionGenetics, part of Exact Sciences
Classification: Benign for SLC38A8-related condition. Last evaluated: 2025-01-24. Review status: criteria provided, single submitter. Criteria: ACMG Guidelines, 2015. Collection method: clinical testing. Allele origin: germline.
Comment: This variant is classified as benign based on ACMG/AMP sequence variant interpretation guidelines (Richards et al. 2015 PMID: 25741868, with internal and published modifications).

Breakthrough Genomics
Classification: Benign. Review status: criteria provided, single submitter. Criteria: ACMG Guidelines, 2015. Collection method: not provided. Allele origin: germline. Inheritance: Autosomal recessive inheritance. Affected: yes.